The following is an entry in ClinVar:

ClinVar aggregate classification (germline): Uncertain significance (1 of 4 stars; one submission).

Submission:

Labcorp Genetics (formerly Invitae), Labcorp
Classification: Uncertain significance. Last evaluated: 2026-01-05. Review status: criteria provided, single submitter. Criteria: Invitae Variant Classification Sherloc (09022015). Collection method: clinical testing. Allele origin: germline.
Comment: This sequence change creates a premature translational stop signal (p.Ala194Valfs*55) in the CARD8 gene. It is expected to result in an absent or disrupted protein product. However, the current clinical and genetic evidence is not sufficient to establish whether loss-of-function variants in CARD8 cause disease. This variant is present in population databases (rs778794766, gnomAD 0.02%). This variant has not been reported in the literature in individuals affected with CARD8-related conditions. In summary, the available evidence is currently insufficient to determine the role of this variant in disease. Therefore, it has been classified as a Variant of Uncertain Significance.

NM_001184900.3(CARD8):c.731del (p.Ala244fs)

Gene: CARD8 (caspase recruitment domain family member 8; minus strand). Cytogenetic location: 19q13.33.
Variant type: Deletion.
Coding change: c.731del on transcript NM_001184900.3 (MANE Select); coding-DNA position 731, one base deleted (C; older notation c.731delC).
Protein change: p.Ala244fs; shifts the reading frame from alanine 244.
Molecular consequence: frameshift variant. On other transcripts: non-coding transcript variant (4).
Genome position (GRCh38, 1-based): chr19:48,230,818, G deleted on the plus strand (C on the coding strand, the reverse complement: CARD8 is on the minus strand). VCF-style (leftmost placement, unchanged base first): chr19-48230817-AG-A. GRCh37 (hg19) VCF-style: chr19-48734074-AG-A.
Other names: c.581del, p.Ala194fs (NM_001184901.1, NM_001351783.2, NM_001351788.2 and 2 more transcripts); c.731del, p.Ala244fs (NM_001184902.2, NM_001184903.1, NM_001351782.2); c.416del, p.Ala139fs (NM_001351784.2, NM_001351787.2, NM_001351791.2 and 2 more transcripts); c.395del, p.Ala132fs (NM_001351786.2); c.488del, p.Ala163fs (NM_001351790.2); short protein forms A132fs, A194fs, A244fs, A139fs, A163fs.
Identifiers: ClinVar variation 4708337 (VCV004708337.1).
Genomic context (GRCh38, chr19:48,230,817, plus strand): 5'-CTCCGCTCACCCCACATTACCTTGGAGGGAGATGAAGTGGGGGAGGTGGATTTCGGCGAC[AG>A]CCTCCTCTGGCTCTGCAGTGACATCAAACAAGGGGCCGCCCACCAGCCACTGTTCATGGT-3'